The following is an entry in ClinVar:

ClinVar aggregate classification (germline): Pathogenic (1 of 4 stars; one submission).

Conditions:
Developmental and epileptic encephalopathy, 1 (DEE1). Also called: X-linked infantile spasms; West's syndrome; Tonic spasms with clustering, arrest of psychomotor development and hypsarrhythmia on EEG; X-Linked Infantile Spasm Syndrome; OHTAHARA SYNDROME, X-LINKED; INFANTILE SPASM SYNDROME, X-LINKED 1. Identifiers: MedGen C3463992, MONDO:0010632, OMIM 308350. Disease mechanism: loss of function.

Submission:

Women's Health and Genetics/Laboratory Corporation of America, LabCorp
Classification: Pathogenic for Developmental and epileptic encephalopathy, 1. Last evaluated: 2024-08-13. Review status: criteria provided, single submitter. Criteria: LabCorp Variant Classification Summary - May 2015. Collection method: clinical testing. Allele origin: germline.
Comment: Variant summary: ARX c.457delG (p.Ala153ProfsX15) results in a premature termination codon, predicted to cause a truncation of the encoded protein or absence of the protein due to nonsense mediated decay, which are commonly known mechanisms for disease. The frequency data for this variant in gnomAD is considered unreliable, as metrics indicate poor data quality at this position. To our knowledge, no occurrence of c.457delG in individuals affected with Developmental and epileptic encephalopathy and no experimental evidence demonstrating its impact on protein function have been reported. No submitters have cited clinical-significance assessments for this variant to ClinVar. Based on the evidence outlined above, the variant was classified as pathogenic.

NM_139058.3(ARX):c.457del (p.Ala153fs)

Genes: ARX (aristaless related homeobox; minus strand), LOC109610631 (aristaless related homeobox polyalanine expansion region; plus strand). Cytogenetic location: Xp21.3.
Variant type: Deletion.
Coding change: c.457del on transcript NM_139058.3 (MANE Select); coding-DNA position 457, one base deleted (G; older notation c.457delG).
Protein change: p.Ala153fs; shifts the reading frame from alanine 153.
Molecular consequence: frameshift variant.
Genome position (GRCh38, 1-based): chrX:25,013,538, C deleted on the plus strand (G on the coding strand, the reverse complement: ARX is on the minus strand). VCF-style (leftmost placement, unchanged base first): chrX-25013537-GC-G. GRCh37 (hg19) VCF-style: chrX-25031654-GC-G.
Other names: c.457delG (NM_139058.3); short protein forms A153fs.
Identifiers: ClinVar variation 3366835 (VCV003366835.1).
Genomic context (GRCh38, chrX:25,013,537, plus strand): 5'-TTGCTGCGGCTGATGCTCACCTGCGGCGCCTGGCTGATCTTGAGCGTGTCCCAGGCCGCG[GC>G]GGCCGCGGCCGCGGCTGCCGCGGCGGCCCCTGCGCCGTCCGGCCGTTCCCCGGGCCGCGC-3'